The following is an entry in ClinVar:

NM_001042492.3(NF1):c.4828G>T (p.Ala1610Ser)

Gene: NF1 (neurofibromin 1; plus strand). Cytogenetic location: 17q11.2.
Variant type: single nucleotide variant.
Coding change: c.4828G>T on transcript NM_001042492.3 (MANE Select); coding-DNA position 4828, G replaced by T.
Protein change: p.Ala1610Ser; replaces alanine 1610 with serine.
Molecular consequence: missense variant.
Genome position (GRCh38, 1-based): chr17:31,265,332, G>T. VCF-style: chr17-31265332-G-T. GRCh37 (hg19) VCF-style: chr17-29592350-G-T.
Other names: c.4765G>T, p.Ala1589Ser (NM_000267.4); short protein forms A1610S, A1589S.
Identifiers: ClinVar variation 951873 (VCV000951873.6), dbSNP rs2067767184, ClinGen allele CA399001380.

ClinVar aggregate classification (germline): Uncertain significance (1 of 4 stars; one submission).

Conditions:
Neurofibromatosis, type 1 (NF1). Also called: VON RECKLINGHAUSEN DISEASE; NEUROFIBROMATOSIS, TYPE I, SOMATIC; Peripheral type neurofibromatosis; Neurofibromatosis, type I. Identifiers: Orphanet 636, MedGen C0027831, MONDO:0018975, OMIM 162200. Disease mechanism: loss of function.

Submission:

Labcorp Genetics (formerly Invitae), Labcorp
Classification: Uncertain significance for Neurofibromatosis, type 1. Last evaluated: 2019-07-04. Review status: criteria provided, single submitter. Criteria: Invitae Variant Classification Sherloc (09022015). Collection method: clinical testing. Allele origin: germline.
Comment: This sequence change replaces alanine with serine at codon 1589 of the NF1 protein (p.Ala1589Ser). The alanine residue is moderately conserved and there is a moderate physicochemical difference between alanine and serine. This variant is not present in population databases (ExAC no frequency). This variant has not been reported in the literature in individuals with NF1-related conditions. Algorithms developed to predict the effect of missense changes on protein structure and function (SIFT, PolyPhen-2, Align-GVGD) all suggest that this variant is likely to be tolerated, but these predictions have not been confirmed by published functional studies and their clinical significance is uncertain. In summary, the available evidence is currently insufficient to determine the role of this variant in disease. Therefore, it has been classified as a Variant of Uncertain Significance.